The following is an entry in ClinVar:

NM_183381.3(RNF13):c.556C>T (p.Pro186Ser)

Gene: RNF13 (ring finger protein 13; plus strand). Cytogenetic location: 3q25.1.
Variant type: single nucleotide variant.
Coding change: c.556C>T on transcript NM_183381.3 (MANE Select); coding-DNA position 556, C replaced by T.
Protein change: p.Pro186Ser; replaces proline 186 with serine.
Molecular consequence: missense variant. On other transcripts: non-coding transcript variant (1).
Genome position (GRCh38, 1-based): chr3:149,912,033, C>T. VCF-style: chr3-149912033-C-T. GRCh37 (hg19) VCF-style: chr3-149629820-C-T.
Other names: c.556C>T, p.Pro186Ser (NM_001378285.1, NM_001378286.1, NM_007282.4); c.199C>T, p.Pro67Ser (NM_001378287.1, NM_001378288.1, NM_001378289.1 and 2 more transcripts); c.163C>T, p.Pro55Ser (NM_001378291.1); short protein forms P55S, P186S, P67S.
Identifiers: ClinVar variation 1917331 (VCV001917331.5), dbSNP rs146054064, ClinGen allele CA2663027.
Genomic context (GRCh38, chr3:149,912,033, plus strand): 5'-TCTAGGGGCCACCTTATCTTAGTTCCAGAATTTAGTCTTCCTTTGGAATACTACCTAATT[C>T]CCTTCCTTATCATAGTGGGCATCTGTCTCATCTTGATAGTCATTTTCATGGTAGGTACAT-3'
Protein context (NP_899237.1, residues 176-196): FSLPLEYYLI[Pro186Ser]FLIIVGICLI

ClinVar aggregate classification (germline): Uncertain significance (1 of 4 stars; one submission).

Allele frequency attached by ClinVar (database versions not stated): gnomAD exomes below 0.00001; gnomAD 0.00001; ExAC 0.00002; ESP Exome Variant Server 0.00015.
gnomAD v4.1: 3 of 1,600,360 alleles (0.00019%); highest among the groups gnomAD compares: African/African-American, 0.004%; no homozygotes.

Submission:

Labcorp Genetics (formerly Invitae), Labcorp
Classification: Uncertain significance. Last evaluated: 2025-12-03. Review status: criteria provided, single submitter. Criteria: Invitae Variant Classification Sherloc (09022015). Collection method: clinical testing. Allele origin: germline.
Comment: This sequence change replaces proline, which is neutral and non-polar, with serine, which is neutral and polar, at codon 186 of the RNF13 protein (p.Pro186Ser). This variant is present in population databases (rs146054064, gnomAD 0.007%). This variant has not been reported in the literature in individuals affected with RNF13-related conditions. ClinVar contains an entry for this variant (Variation ID: 1917331). Invitae Evidence Modeling of protein sequence and biophysical properties (such as structural, functional, and spatial information, amino acid conservation, physicochemical variation, residue mobility, and thermodynamic stability) indicates that this missense variant is not expected to disrupt RNF13 protein function with a negative predictive value of 80%. In summary, the available evidence is currently insufficient to determine the role of this variant in disease. Therefore, it has been classified as a Variant of Uncertain Significance.